The following is an entry in ClinVar:

ClinVar aggregate classification (germline): Pathogenic. Review status: criteria provided, multiple submitters, no conflicts (2 of 4 stars). 3 submissions from 3 submitters: Pathogenic (3). Last evaluated 2025-08-31.

Conditions:
TCF12-related craniosynostosis. Also called: Craniosynostosis 3. Identifiers: Orphanet 35098, Orphanet 35099, Orphanet 672979, MedGen C3715051, MONDO:0014128, OMIM 615314.

gnomAD v4.1: 1 of 1,613,864 alleles (0.000062%); no homozygotes.

Submissions (3):

Labcorp Genetics (formerly Invitae), Labcorp
Classification: Pathogenic. Last evaluated: 2025-08-31. Review status: criteria provided, single submitter. Criteria: Invitae Variant Classification Sherloc (09022015). Collection method: clinical testing. Allele origin: germline.
Comment: This sequence change creates a premature translational stop signal (p.Trp376*) in the TCF12 gene. It is expected to result in an absent or disrupted protein product. Loss-of-function variants in TCF12 are known to be pathogenic (PMID: 23354436, 32620954). This variant is not present in population databases (gnomAD no frequency). This premature translational stop signal has been observed in individual(s) with TCF12-related conditions (PMID: 31785789, 33057194, 35982159). ClinVar contains an entry for this variant (Variation ID: 489259). For these reasons, this variant has been classified as Pathogenic.

Revvity Omics, Revvity
Classification: Pathogenic. Last evaluated: 2022-05-19. Review status: criteria provided, single submitter. Criteria: ACMG Guidelines, 2015. Collection method: clinical testing. Allele origin: germline.

GeneDx
Classification: Pathogenic. Last evaluated: 2020-02-27. Review status: criteria provided, single submitter. Criteria: GeneDx Variant Classification Process June 2021. Collection method: clinical testing. Allele origin: germline. Affected: yes.
Comment: Nonsense variant predicted to result in protein truncation or nonsense mediated decay in a gene for which loss-of-function is a known mechanism of disease; Not observed in large population cohorts (Lek et al., 2016); Has not been previously published as pathogenic or benign to our knowledge

Literature cited by the submitters: PubMed 23354436 (cited by Labcorp Genetics (formerly Invitae), Labcorp); PubMed 32620954 (cited by Labcorp Genetics (formerly Invitae), Labcorp); PubMed 31785789 (cited by Labcorp Genetics (formerly Invitae), Labcorp); PubMed 33057194 (cited by Labcorp Genetics (formerly Invitae), Labcorp); PubMed 35982159 (cited by Labcorp Genetics (formerly Invitae), Labcorp).

NM_207037.2(TCF12):c.1128G>A (p.Trp376Ter)

Gene: TCF12 (transcription factor 12; plus strand). Cytogenetic location: 15q21.3.
Variant type: single nucleotide variant.
Coding change: c.1128G>A on transcript NM_207037.2 (MANE Select); coding-DNA position 1128, G replaced by A.
Protein change: p.Trp376Ter; replaces tryptophan 376 with a stop codon.
Molecular consequence: nonsense.
Genome position (GRCh38, 1-based): chr15:57,251,363, G>A. VCF-style: chr15-57251363-G-A. GRCh37 (hg19) VCF-style: chr15-57543561-G-A.
Other names: c.618G>A, p.Trp206Ter (NM_001306219.3, NM_207040.2); c.420G>A, p.Trp140Ter (NM_001306220.3); c.1128G>A, p.Trp376Ter (NM_001322151.2, NM_001322152.2, NM_001322157.3 and 7 more transcripts); c.471G>A, p.Trp157Ter (NM_001322154.2); c.954G>A, p.Trp318Ter (NM_001322156.2, NM_001322158.2); c.1164G>A, p.Trp388Ter (NM_001322164.2); short protein forms W376*, W140*, W206*, W318*, W157*, W388*.
Identifiers: ClinVar variation 489259 (VCV000489259.10), dbSNP rs1555409014, ClinGen allele CA392596441.